The following is an entry in ClinVar:

NM_003126.4(SPTA1):c.3904C>T (p.Gln1302Ter)

Gene: SPTA1 (spectrin alpha, erythrocytic 1; minus strand). Cytogenetic location: 1q23.1.
Variant type: single nucleotide variant.
Coding change: c.3904C>T on transcript NM_003126.4 (MANE Select); coding-DNA position 3904, C replaced by T.
Protein change: p.Gln1302Ter; replaces glutamine 1302 with a stop codon.
Molecular consequence: nonsense.
Genome position (GRCh38, 1-based): chr1:158,645,587, G>A on the plus strand (C>T on the coding strand, the complement: SPTA1 is on the minus strand). VCF-style: chr1-158645587-G-A. GRCh37 (hg19) VCF-style: chr1-158615377-G-A.
Other names: short protein forms Q1302*.
Identifiers: ClinVar variation 4719658 (VCV004719658.1).

ClinVar aggregate classification (germline): Pathogenic (1 of 4 stars; one submission).

Submission:

Labcorp Genetics (formerly Invitae), Labcorp
Classification: Pathogenic. Last evaluated: 2025-05-15. Review status: criteria provided, single submitter. Criteria: Invitae Variant Classification Sherloc (09022015). Collection method: clinical testing. Allele origin: germline.
Comment: This sequence change creates a premature translational stop signal (p.Gln1302*) in the SPTA1 gene. It is expected to result in an absent or disrupted protein product. Loss-of-function variants in SPTA1 are known to be pathogenic (PMID: 9192783, 18815189, 31333484, 31723846, 32266426). This variant is not present in population databases (gnomAD no frequency). This variant has not been reported in the literature in individuals affected with SPTA1-related conditions. For these reasons, this variant has been classified as Pathogenic.

Literature cited by the submitters: PubMed 9192783; PubMed 18815189; PubMed 31333484; PubMed 31723846; PubMed 32266426.